The following is an entry in ClinVar:

NM_207122.2(EXT2):c.553_558del (p.Asn185_His186del)

Gene: EXT2 (exostosin glycosyltransferase 2; plus strand). Cytogenetic location: 11p11.2.
Variant type: Deletion.
Coding change: c.553_558del on transcript NM_207122.2 (MANE Select); coding-DNA positions 553 to 558, 6 bases deleted (AATCAC; older notation c.553_558delAATCAC).
Protein change: p.Asn185_His186del.
Molecular consequence: inframe deletion.
Genome position (GRCh38, 1-based): chr11:44,109,210-44,109,215, AATCAC deleted. VCF-style (leftmost placement, unchanged base first): chr11-44109209-GAATCAC-G. GRCh37 (hg19) VCF-style: chr11-44130759-GAATCAC-G.
Other names: c.553_558delAATCAC (NM_207122.1); c.652_657del, p.Asn218_His219del (NM_000401.3); c.553_558del, p.Asn185_His186del (NM_001178083.3, NM_001389628.1, NM_001389630.1).
Identifiers: ClinVar variation 534136 (VCV000534136.9), dbSNP rs761364688, ClinGen allele CA5954934.
Genomic context (GRCh38, chr11:44,109,209, plus strand): 5'-CATAGTTGACACATTAATTCTCCTACATTTTAAATTTCTTGACAGGTGGGATCGAGGTAC[GAATCAC>G]CTGTTGTTCAACATGTTGCCTGGAGGTCCCCCAGATTATAACACAGCCCTGGATGTCCCC-3'

ClinVar aggregate classification (germline): Conflicting classifications of pathogenicity. Review status: criteria provided, conflicting classifications (1 of 4 stars). 2 submissions from 2 submitters: Likely pathogenic (1); Uncertain significance (1). Last evaluated 2024-11-09.

Conditions:
Exostoses, multiple, type 2 (EXT2). Also called: Hereditary Multiple Osteochondromatosis, Type II; EXOSTOSES, MULTIPLE, TYPE II. Identifiers: Orphanet 321, MedGen C1851413, MONDO:0007586, OMIM 133701.

Allele frequency attached by ClinVar (database versions not stated): ExAC 0.00001.

Submissions (2):

Labcorp Genetics (formerly Invitae), Labcorp
Classification: Uncertain significance for Exostoses, multiple, type 2. Last evaluated: 2024-11-09. Review status: criteria provided, single submitter. Criteria: Invitae Variant Classification Sherloc (09022015). Collection method: clinical testing. Allele origin: germline.
Comment: This variant, c.553_558del, results in the deletion of 2 amino acid(s) of the EXT2 protein (p.Asn185_His186del), but otherwise preserves the integrity of the reading frame. This variant is present in population databases (rs761364688, gnomAD 0.0009%). This variant has been observed in individual(s) with multiple osteochondromas (internal data). ClinVar contains an entry for this variant (Variation ID: 534136). Experimental studies and prediction algorithms are not available or were not evaluated, and the functional significance of this variant is currently unknown. In summary, the available evidence is currently insufficient to determine the role of this variant in disease. Therefore, it has been classified as a Variant of Uncertain Significance.

GeneDx
Classification: Likely pathogenic. Last evaluated: 2022-06-22. Review status: criteria provided, single submitter. Criteria: GeneDx Variant Classification Process June 2021. Collection method: clinical testing. Allele origin: germline. Affected: yes.
Comment: Not observed at significant frequency in large population cohorts (gnomAD); In-frame deletion of 2 amino acids in a non-repeat region; In silico analysis supports a deleterious effect on protein structure/function; Has not been previously published as pathogenic or benign to our knowledge